The following is an entry in ClinVar:

NM_138576.4(BCL11B):c.1130C>T (p.Pro377Leu)

Gene: BCL11B (BCL11 transcription factor B; minus strand). Cytogenetic location: 14q32.2.
Variant type: single nucleotide variant.
Coding change: c.1130C>T on transcript NM_138576.4 (MANE Select); coding-DNA position 1130, C replaced by T.
Protein change: p.Pro377Leu; replaces proline 377 with leucine.
Molecular consequence: missense variant.
Genome position (GRCh38, 1-based): chr14:99,175,706, G>A on the plus strand (C>T on the coding strand, the complement: BCL11B is on the minus strand). VCF-style: chr14-99175706-G-A. GRCh37 (hg19) VCF-style: chr14-99642043-G-A.
Other names: c.1130C>T (NM_138576.3); c.1127C>T, p.Pro376Leu (NM_001282237.2); c.914C>T, p.Pro305Leu (NM_001282238.2); c.917C>T, p.Pro306Leu (NM_022898.3); short protein forms P305L, P376L, P377L, P306L.
Identifiers: ClinVar variation 1418910 (VCV001418910.9), dbSNP rs1273945817, ClinGen allele CA390936043.
Genomic context (GRCh38, chr14:99,175,706, plus strand): 5'-GGCTGGAAGGGGTTCAGGAGCCGGTGCATAGGGTTGCCGCGGCCCGGGGACACGGGCGGC[G>A]GCGTGGAGCTGTTGCCCGCCAGCTCGCGGAGCCGCCGCGAGAAGTCCATGGCGGGCGAGT-3'
Protein context (NP_612808.1, residues 367-387): LRELAGNSST[Pro377Leu]PPVSPGRGNP

ClinVar aggregate classification (germline): Uncertain significance. Review status: criteria provided, multiple submitters, no conflicts (2 of 4 stars). 3 submissions from 3 submitters: Uncertain significance (3). Last evaluated 2026-07-27.

Conditions:
Intellectual developmental disorder with speech delay, dysmorphic facies, and t-cell abnormalities. Also called: BCL11B-related BAFopathy. Identifiers: Orphanet 662829, MedGen C4748152, MONDO:0060763, OMIM 618092.

Allele frequency attached by ClinVar (database versions not stated): gnomAD exomes below 0.00001.
gnomAD v4.1: 3 of 1,504,356 alleles (0.0002%); highest among the groups gnomAD compares: Admixed American, 0.0047%; no homozygotes.

Submissions (3):

GeneDx
Classification: Uncertain significance. Last evaluated: 2026-07-27. Review status: criteria provided, single submitter. Criteria: GeneDx Variant Classification Process June 2021. Collection method: clinical testing. Allele origin: germline.
Comment: Not observed at significant frequency in large population cohorts (gnomAD); In silico analysis supports that this missense variant has a deleterious effect on protein structure/function; Has not been previously published as pathogenic or benign to our knowledge

Pittsburgh Clinical Genomics Laboratory, University of Pittsburgh Medical Center
Classification: Uncertain significance for Intellectual developmental disorder with speech delay, dysmorphic facies, and t-cell abnormalities. Last evaluated: 2023-07-24. Review status: criteria provided, single submitter. Criteria: ACMG Guidelines, 2015. Collection method: clinical testing. Allele origin: germline. Inheritance: Autosomal dominant inheritance. Affected: yes.
Comment: This sequence variant is a single nucleotide substitution (C>T) at position 1130 of the coding sequence of the BCL11B gene that results in a proline to leucine amino acid change at residue 377 of the BCL11 transcription factor B protein. This is a previously reported variant (ClinVar 1418910) that has not been observed in the literature in individuals affected by BCL11B-related disease, to our knowledge. This variant is absent from the gnomAD population database (0/113404 alleles). Bioinformatic tools are inconclusive if this amino acid change will be damaging or tolerated, and the Pro377 residue at this position is highly conserved across the vertebrate species examined. Studies examining the functiol consequence of this variant have not been performed, to our knowledge. At this time, there is insufficient evidence to determine if this variant is pathogenic or benign. Therefore, we consider this a variant of uncertain significance. ACMG Criteria: PM2

Labcorp Genetics (formerly Invitae), Labcorp
Classification: Uncertain significance. Last evaluated: 2021-10-03. Review status: criteria provided, single submitter. Criteria: Invitae Variant Classification Sherloc (09022015). Collection method: clinical testing. Allele origin: germline.
Comment: In summary, the available evidence is currently insufficient to determine the role of this variant in disease. Therefore, it has been classified as a Variant of Uncertain Significance. Algorithms developed to predict the effect of missense changes on protein structure and function are either unavailable or do not agree on the potential impact of this missense change (SIFT: "Deleterious"; PolyPhen-2: "Benign"; Align-GVGD: "Class C0"). This variant has not been reported in the literature in individuals affected with BCL11B-related conditions. The frequency data for this variant in the population databases is considered unreliable, as metrics indicate insufficient coverage at this position in the ExAC database. This sequence change replaces proline with leucine at codon 377 of the BCL11B protein (p.Pro377Leu). The proline residue is highly conserved and there is a moderate physicochemical difference between proline and leucine.